The following is an entry in ClinVar:

NM_001330.5(CTF1):c.574C>G (p.Leu192Val)

Genes: CTF1 (cardiotrophin 1; plus strand), LOC130058878 (ATAC-STARR-seq lymphoblastoid silent region 7400; plus strand). Cytogenetic location: 16p11.2.
Variant type: single nucleotide variant.
Coding change: c.574C>G on transcript NM_001330.5 (MANE Select); coding-DNA position 574, C replaced by G.
Protein change: p.Leu192Val; replaces leucine 192 with valine.
Molecular consequence: missense variant. On other transcripts: non-coding transcript variant (1).
Genome position (GRCh38, 1-based): chr16:30,902,507, C>G. VCF-style: chr16-30902507-C-G. GRCh37 (hg19) VCF-style: chr16-30913828-C-G.
Other names: c.571C>G, p.Leu191Val (NM_001142544.3); short protein forms L191V, L192V.
Identifiers: ClinVar variation 1420617 (VCV001420617.6), dbSNP rs2143248393, ClinGen allele CA395619800.

ClinVar aggregate classification (germline): Uncertain significance (1 of 4 stars; one submission).

Submission:

Labcorp Genetics (formerly Invitae), Labcorp
Classification: Uncertain significance. Last evaluated: 2021-10-06. Review status: criteria provided, single submitter. Criteria: Invitae Variant Classification Sherloc (09022015). Collection method: clinical testing. Allele origin: germline.
Comment: In summary, the available evidence is currently insufficient to determine the role of this variant in disease. Therefore, it has been classified as a Variant of Uncertain Significance. Algorithms developed to predict the effect of sequence changes on RNA splicing suggest that this variant may create or strengthen a splice site. Algorithms developed to predict the effect of missense changes on protein structure and function are either unavailable or do not agree on the potential impact of this missense change (SIFT: "Deleterious"; PolyPhen-2: "Possibly Damaging"; Align-GVGD: "Class C0"). This variant has not been reported in the literature in individuals affected with CTF1-related conditions. The frequency data for this variant in the population databases is considered unreliable, as metrics indicate insufficient coverage at this position in the ExAC database. This sequence change replaces leucine with valine at codon 192 of the CTF1 protein (p.Leu192Val). The leucine residue is highly conserved and there is a small physicochemical difference between leucine and valine.